The following is an entry in ClinVar:

ClinVar aggregate classification (germline): Pathogenic (1 of 4 stars; one submission).

Submission:

CeGaT Center for Human Genetics Tuebingen
Classification: Pathogenic. Last evaluated: 2024-11-01. Review status: criteria provided, single submitter. Criteria: CeGaT Center For Human Genetics Tuebingen Variant Classification Criteria Version 2. Collection method: clinical testing. Allele origin: germline. Affected: yes. Observed: 1 variant allele.
Comment: ALPL: PVS1, PM2

NM_000478.6(ALPL):c.100_101del (p.Gln34fs)

Gene: ALPL (alkaline phosphatase, biomineralization associated; plus strand). Cytogenetic location: 1p36.12.
Variant type: Deletion.
Coding change: c.100_101del on transcript NM_000478.6 (MANE Select); coding-DNA positions 100 to 101, 2 bases deleted (CA; older notation c.100_101delCA).
Protein change: p.Gln34fs; shifts the reading frame from glutamine 34.
Molecular consequence: frameshift variant. On other transcripts: 5 prime UTR variant (2).
Genome position (GRCh38, 1-based): chr1:21,560,664-21,560,665, CA deleted. VCF-style (leftmost placement, unchanged base first): chr1-21560663-GCA-G. GRCh37 (hg19) VCF-style: chr1-21887156-GCA-G.
Other names: c.-66_-65del (NM_001127501.4); c.-16_-15del (NM_001177520.3); c.100_101del, p.Gln34fs (NM_001369803.2, NM_001369804.2, NM_001369805.2); short protein forms Q34fs.
Identifiers: ClinVar variation 3390198 (VCV003390198.14).